The following is an entry in ClinVar:

NM_001754.5(RUNX1):c.828C>A (p.Ser276=)

Gene: RUNX1 (RUNX family transcription factor 1; minus strand). Cytogenetic location: 21q22.12.
Variant type: single nucleotide variant.
Coding change: c.828C>A on transcript NM_001754.5 (MANE Select); coding-DNA position 828, C replaced by A.
Protein change: p.Ser276=; no amino-acid change (serine 276 retained).
Molecular consequence: synonymous variant.
Genome position (GRCh38, 1-based): chr21:34,799,440, G>T on the plus strand (C>A on the coding strand, the complement: RUNX1 is on the minus strand). VCF-style: chr21-34799440-G-T. GRCh37 (hg19) VCF-style: chr21-36171737-G-T.
Other names: NM_001754.5(RUNX1):c.828C>A; p.Ser276=; c.828C>A (NM_001754.4); c.747C>A, p.Ser249= (NM_001001890.3).
Identifiers: ClinVar variation 1144346 (VCV001144346.13), dbSNP rs1376894886, ClinGen allele CA512232279.

ClinVar aggregate classification (germline): Likely benign. Review status: reviewed by expert panel (3 of 4 stars). 4 submissions from 4 submitters: Likely benign (1). 3 of the submissions do not count toward it. Last evaluated 2024-07-11.

Conditions:
Hereditary thrombocytopenia and hematological cancer predisposition syndrome associated with RUNX1. Also called: Familial Platelet Disorder with Propensity to Acute Myelogenous Leukemia; Familial thrombocytopenia with propensity to acute myelogenous leukemia; PLATELET DISORDER, ASPIRIN-LIKE; RUNX1 Familial Platelet Disorder with Associated Myeloid Malignancies. Identifiers: Orphanet 71290, MedGen C1832388, MeSH C563324, MONDO:0100083, OMIM 601399.
RUNX1-related disorder. Also called: RUNX1-related condition.
Hereditary thrombocytopenia and hematologic cancer predisposition syndrome. Identifiers: Orphanet 71290, MedGen CN281654, MONDO:0011071.
Inborn genetic diseases. Identifiers: MedGen C0950123, MeSH D030342.

Allele frequency attached by ClinVar (database versions not stated): gnomAD exomes 0.00001.
gnomAD v4.1: 3 of 1,614,096 alleles (0.00019%); highest among the groups gnomAD compares: Admixed American, 0.005%; no homozygotes.

Submissions (4):

ClinGen Myeloid Malignancy Variant Curation Expert Panel
Classification: Likely benign for Hereditary thrombocytopenia and hematologic cancer predisposition syndrome. Last evaluated: 2024-07-11. Review status: reviewed by expert panel. Criteria: ClinGen MyeloMalig ACMG Specifications v2. Collection method: curation. Allele origin: germline. Inheritance: Autosomal dominant inheritance.
Comment: NM_001754.5(RUNX1):c.828C>A (p.Ser276=) is a synonymous variant which has a SpliceAI score ≤ 0.20 (0.0) (BP4). Evolutionary conservation algorithms predict the site as not being conserved (PhyloP score 0.55 < 2.0) or the variant is the reference nucleotide in one primate (BP7). In summary, this variant meets criteria to be classified as likely benign. ACMG/AMP criteria applied, as specified by the Myeloid Malignancy Variant Curation Expert Panel for RUNX1: BP4, BP7.

Ambry Genetics
Classification: Likely benign for Inborn genetic diseases. Last evaluated: 2025-01-27. Review status: criteria provided, single submitter. Criteria: Ambry Variant Classification Scheme 2023. Collection method: clinical testing. Allele origin: germline. Not counted in ClinVar's aggregate classification.

Labcorp Genetics (formerly Invitae), Labcorp
Classification: Likely benign for Hereditary thrombocytopenia and hematological cancer predisposition syndrome associated with RUNX1. Last evaluated: 2024-02-15. Review status: criteria provided, single submitter. Criteria: Invitae Variant Classification Sherloc (09022015). Collection method: clinical testing. Allele origin: germline. Not counted in ClinVar's aggregate classification.

PreventionGenetics, part of Exact Sciences
Classification: Likely benign for RUNX1-related condition. Last evaluated: 2023-12-26. Review status: no assertion criteria provided. Collection method: clinical testing. Allele origin: germline. Not counted in ClinVar's aggregate classification.
Comment: This variant is classified as likely benign based on ACMG/AMP sequence variant interpretation guidelines (Richards et al. 2015 PMID: 25741868, with internal and published modifications).